The following is an entry in ClinVar:

ClinVar aggregate classification (germline): Uncertain significance (1 of 4 stars; one submission).

Conditions:
Multiple gastrointestinal atresias. Also called: Multiple intestinal atresia; FAMILIAL INTESTINAL POLYATRESIA SYNDROME. Identifiers: Orphanet 2300, MedGen C0220744, MONDO:0009465.

Allele frequency attached by ClinVar (database versions not stated): gnomAD exomes below 0.00001 and 0.00001; gnomAD 0.00001.
gnomAD v4.1: 22 of 1,613,520 alleles (0.0014%); highest among the groups gnomAD compares: Non-Finnish European, 0.0015%; no homozygotes.

Submission:

Labcorp Genetics (formerly Invitae), Labcorp
Classification: Uncertain significance for Multiple gastrointestinal atresias. Last evaluated: 2024-02-19. Review status: criteria provided, single submitter. Criteria: Invitae Variant Classification Sherloc (09022015). Collection method: clinical testing. Allele origin: germline.
Comment: This sequence change falls in intron 7 of the TTC7A gene. It does not directly change the encoded amino acid sequence of the TTC7A protein. It affects a nucleotide within the consensus splice site. This variant is present in population databases (no rsID available, gnomAD 0.0009%). This variant has not been reported in the literature in individuals affected with TTC7A-related conditions. ClinVar contains an entry for this variant (Variation ID: 844351). Variants that disrupt the consensus splice site are a relatively common cause of aberrant splicing (PMID: 17576681, 9536098). Algorithms developed to predict the effect of sequence changes on RNA splicing suggest that this variant is not likely to affect RNA splicing. In summary, the available evidence is currently insufficient to determine the role of this variant in disease. Therefore, it has been classified as a Variant of Uncertain Significance.

Literature cited by the submitters: PubMed 17576681; PubMed 9536098.

NM_020458.4(TTC7A):c.1001+3A>G

Gene: TTC7A (tetratricopeptide repeat domain 7A; plus strand). Cytogenetic location: 2p21.
Variant type: single nucleotide variant.
Coding change: c.1001+3A>G on transcript NM_020458.4 (MANE Select); 3 bases into the intron after coding-DNA position 1001, A replaced by G.
Molecular consequence: intron variant.
Genome position (GRCh38, 1-based): chr2:46,994,517, A>G. VCF-style: chr2-46994517-A-G. GRCh37 (hg19) VCF-style: chr2-47221656-A-G.
Other names: c.899+3A>G (NM_001288953.2); c.1001+3A>G (NM_001288951.2); c.-61-619A>G (NM_001288955.2).
Identifiers: ClinVar variation 844351 (VCV000844351.7), dbSNP rs1312976035, ClinGen allele CA532704523.